The following is an entry in ClinVar:

NM_022916.6(VPS33A):c.1205C>T (p.Ser402Leu)

Gene: VPS33A (VPS33A core subunit of CORVET and HOPS complexes; minus strand). Cytogenetic location: 12q24.31.
Variant type: single nucleotide variant.
Coding change: c.1205C>T on transcript NM_022916.6 (MANE Select); coding-DNA position 1205, C replaced by T.
Protein change: p.Ser402Leu; replaces serine 402 with leucine.
Molecular consequence: missense variant.
Genome position (GRCh38, 1-based): chr12:122,238,684, G>A on the plus strand (C>T on the coding strand, the complement: VPS33A is on the minus strand). VCF-style: chr12-122238684-G-A. GRCh37 (hg19) VCF-style: chr12-122723231-G-A.
Other names: c.1205C>T (NM_022916.4); c.1172C>T, p.Ser391Leu (NM_001351018.2); c.1157C>T, p.Ser386Leu (NM_001351019.2); c.884C>T, p.Ser295Leu (NM_001351020.2); short protein forms S295L, S402L, S386L, S391L.
Identifiers: ClinVar variation 2200806 (VCV002200806.3), dbSNP rs377687330, ClinGen allele CA6844375.

ClinVar aggregate classification (germline): Uncertain significance. Review status: criteria provided, multiple submitters, no conflicts (2 of 4 stars). 2 submissions from 2 submitters: Uncertain significance (2). Last evaluated 2025-11-13.

Allele frequency attached by ClinVar (database versions not stated): ESP Exome Variant Server 0.00008; gnomAD 0.00006; TOPMed 0.00009; ExAC 0.00012.
gnomAD v4.1: 60 of 1,613,482 alleles (0.0037%); highest among the groups gnomAD compares: Admixed American, 0.012%; no homozygotes.

Submissions (2):

Ambry Genetics
Classification: Uncertain significance. Last evaluated: 2025-11-13. Review status: criteria provided, single submitter. Criteria: Ambry Variant Classification Scheme 2023. Collection method: clinical testing. Allele origin: germline.

Labcorp Genetics (formerly Invitae), Labcorp
Classification: Uncertain significance. Last evaluated: 2022-05-22. Review status: criteria provided, single submitter. Criteria: Invitae Variant Classification Sherloc (09022015). Collection method: clinical testing. Allele origin: germline.
Comment: In summary, the available evidence is currently insufficient to determine the role of this variant in disease. Therefore, it has been classified as a Variant of Uncertain Significance. Algorithms developed to predict the effect of missense changes on protein structure and function (SIFT, PolyPhen-2, Align-GVGD) all suggest that this variant is likely to be tolerated. This variant has not been reported in the literature in individuals affected with VPS33A-related conditions. This variant is present in population databases (rs377687330, gnomAD 0.09%). This sequence change replaces serine, which is neutral and polar, with leucine, which is neutral and non-polar, at codon 402 of the VPS33A protein (p.Ser402Leu).